The following is an entry in ClinVar:

ClinVar aggregate classification (germline): Pathogenic (1 of 4 stars; one submission).

Conditions:
Niemann-Pick disease, type A. Also called: SPHINGOMYELIN LIPIDOSIS; SPHINGOMYELINASE DEFICIENCY; Infantile Neurovisceral ASMD (Niemann-Pick Disease Type A; NPD-A). Identifiers: Orphanet 77292, MedGen C0268242, MONDO:0009756, OMIM 257200. Disease mechanism: loss of function.
Niemann-Pick disease, type B. Also called: Chronic Visceral ASMD (Niemann-Pick Disease Type B; NPD-B). Identifiers: Orphanet 77293, MedGen C0268243, MONDO:0011871, OMIM 607616. Disease mechanism: loss of function.

Submission:

Labcorp Genetics (formerly Invitae), Labcorp
Classification: Pathogenic for Niemann-Pick disease, type B; Niemann-Pick disease, type A. Last evaluated: 2023-01-17. Review status: criteria provided, single submitter. Criteria: Invitae Variant Classification Sherloc (09022015). Collection method: clinical testing. Allele origin: germline.
Comment: This variant is not present in population databases (gnomAD no frequency). This variant has not been reported in the literature in individuals affected with SMPD1-related conditions. For these reasons, this variant has been classified as Pathogenic. This sequence change creates a premature translational stop signal (p.Asn337Lysfs*8) in the SMPD1 gene. It is expected to result in an absent or disrupted protein product. Loss-of-function variants in SMPD1 are known to be pathogenic (PMID: 12369017, 15221801).

Literature cited by the submitters: PubMed 12369017; PubMed 15221801.

NM_000543.5(SMPD1):c.1011_1012del (p.Asn337fs)

Gene: SMPD1 (sphingomyelin phosphodiesterase 1; plus strand). Cytogenetic location: 11p15.4.
Variant type: Deletion.
Coding change: c.1011_1012del on transcript NM_000543.5 (MANE Select); coding-DNA positions 1011 to 1012, 2 bases deleted (CC; older notation c.1011_1012delCC).
Protein change: p.Asn337fs; shifts the reading frame from asparagine 337.
Molecular consequence: frameshift variant. On other transcripts: non-coding transcript variant (1).
Genome position (GRCh38, 1-based): chr11:6,392,076-6,392,077, CC deleted. VCF-style (leftmost placement, unchanged base first): chr11-6392075-ACC-A. GRCh37 (hg19) VCF-style: chr11-6413305-ACC-A.
Other names: c.1008_1009del, p.Asn336fs (NM_001007593.3); c.1011_1012del, p.Asn337fs (NM_001318087.2, NM_001365135.2); c.50_51del, p.Thr17fs (NM_001318088.2); short protein forms N337fs, T17fs, N336fs.
Identifiers: ClinVar variation 2943365 (VCV002943365.3), dbSNP rs2493808218, ClinGen allele CA2740093605.